The following is an entry in ClinVar:

NM_003680.4(YARS1):c.58-2A>G

Gene: YARS1 (tyrosyl-tRNA synthetase 1; minus strand). Cytogenetic location: 1p35.1.
Variant type: single nucleotide variant.
Coding change: c.58-2A>G on transcript NM_003680.4 (MANE Select); the canonical splice acceptor site of the intron before coding-DNA position 58, A replaced by G.
Molecular consequence: splice acceptor variant.
Genome position (GRCh38, 1-based): chr1:32,811,059, T>C on the plus strand (A>G on the coding strand, the complement: YARS1 is on the minus strand). VCF-style: chr1-32811059-T-C. GRCh37 (hg19) VCF-style: chr1-33276660-T-C.
Identifiers: ClinVar variation 1321040 (VCV001321040.7), dbSNP rs371699331, ClinGen allele CA745292.
Genomic context (GRCh38, chr1:32,811,059, plus strand): 5'-TAAATTTTAAGTTCCCGCTCCTTCAGTATCTCCTTCAGCTTCTCTTCCCCCAGAACCTCC[T>C]ATTGTGGAAGCAGAAGAGTTAGTTTAATGTCAGTGCCTCACCTTGCTCATCCTTTACCAT-3'

ClinVar aggregate classification (germline): Uncertain significance. Review status: criteria provided, multiple submitters, no conflicts (2 of 4 stars). 3 submissions from 3 submitters: Uncertain significance (3). Last evaluated 2026-05-28.

Conditions:
Charcot-Marie-Tooth disease dominant intermediate C (CMTDIC). Also called: CHARCOT-MARIE-TOOTH NEUROPATHY, DOMINANT INTERMEDIATE C. Identifiers: Orphanet 100045, MedGen C1842237, MONDO:0012012, OMIM 608323.

Allele frequency attached by ClinVar (database versions not stated): gnomAD exomes 0.00001 and below 0.00001; gnomAD 0.00001; ESP Exome Variant Server 0.00008; ExAC 0.00001; TOPMed 0.00002.
gnomAD v4.1: 7 of 1,613,996 alleles (0.00043%); highest among the groups gnomAD compares: Non-Finnish European, 0.00059%; no homozygotes.

Submissions (3):

Women's Health and Genetics/Laboratory Corporation of America, LabCorp
Classification: Uncertain significance. Last evaluated: 2026-05-28. Review status: criteria provided, single submitter. Criteria: LabCorp Variant Classification Summary - May 2015. Collection method: clinical testing. Allele origin: germline.
Comment: Variant summary: YARS1 c.58-2A>G is located in a canonical splice-site and is predicted to affect mRNA splicing resulting in a significantly altered protein due to either exon skipping, shortening, or inclusion of intronic material. Variants that disrupt the consensus splice site are a relatively common cause of aberrant splicing, however current evidence is not sufficient to establish loss of function as a mechanism for disease. Several computational tools predict a significant impact on normal splicing: Four predict the variant abolishes a 3' acceptor site. One predicts the variant creates a 3' acceptor site. However, these predictions have yet to be confirmed by functional studies. The variant allele was found at a frequency of 4e-06 in 251444 control chromosomes. The available data on variant occurrences in the general population are insufficient to allow any conclusion about variant significance. To our knowledge, no occurrence of c.58-2A>G in individuals affected with YARS1-related conditions and no experimental evidence demonstrating its impact on protein function have been reported. ClinVar contains an entry for this variant (Variation ID: 1321040). Based on the evidence outlined above, the variant was classified as uncertain significance.

Labcorp Genetics (formerly Invitae), Labcorp
Classification: Uncertain significance for Charcot-Marie-Tooth disease dominant intermediate C. Last evaluated: 2023-10-14. Review status: criteria provided, single submitter. Criteria: Invitae Variant Classification Sherloc (09022015). Collection method: clinical testing. Allele origin: germline.
Comment: This sequence change affects an acceptor splice site in intron 1 of the YARS gene. It is expected to disrupt RNA splicing. Variants that disrupt the donor or acceptor splice site typically lead to a loss of protein function (PMID: 16199547), however the current clinical and genetic evidence is not sufficient to establish whether loss-of-function variants in YARS cause disease. This variant is present in population databases (rs371699331, gnomAD 0.0009%). This variant has not been reported in the literature in individuals affected with YARS-related conditions. ClinVar contains an entry for this variant (Variation ID: 1321040). Algorithms developed to predict the effect of sequence changes on RNA splicing suggest that this variant may disrupt the consensus splice site. In summary, the available evidence is currently insufficient to determine the role of this variant in disease. Therefore, it has been classified as a Variant of Uncertain Significance.

GeneDx
Classification: Uncertain significance. Last evaluated: 2019-04-10. Review status: criteria provided, single submitter. Criteria: GeneDx Variant Classification Process June 2021. Collection method: clinical testing. Allele origin: germline. Affected: yes.
Comment: Has not been previously published as pathogenic or benign to our knowledge; Canonical splice site variant predicted to result in an in-frame deletion of exon 2; Not observed at a significant frequency in large population cohorts (Lek et al., 2016)

Literature cited by the submitters: PubMed 16199547 (cited by Labcorp Genetics (formerly Invitae), Labcorp).